The following is an entry in ClinVar:

NM_030805.4(LMAN2L):c.294G>A (p.Leu98=)

Gene: LMAN2L (lectin, mannose binding 2 like; minus strand). Cytogenetic location: 2q11.2.
Variant type: single nucleotide variant.
Coding change: c.294G>A on transcript NM_030805.4 (MANE Select); coding-DNA position 294, G replaced by A.
Protein change: p.Leu98=; no amino-acid change (leucine 98 retained).
Molecular consequence: synonymous variant. On other transcripts: 5 prime UTR variant (5), intron variant (3).
Genome position (GRCh38, 1-based): chr2:96,737,961, C>T on the plus strand (G>A on the coding strand, the complement: LMAN2L is on the minus strand). VCF-style: chr2-96737961-C-T. GRCh37 (hg19) VCF-style: chr2-97403698-C-T.
Other names: c.294G>A, p.Leu98= (NM_001142292.2); c.-59G>A (NM_001322346.2, NM_001322354.2, NM_001322356.2); c.-202G>A (NM_001322352.2); c.-140G>A (NM_001322355.2); c.-47+1893G>A (NM_001322351.2); c.-109+1893G>A (NM_001322350.2, NM_001322347.2).
Identifiers: ClinVar variation 2651149 (VCV002651149.24), dbSNP rs554095447, ClinGen allele CA1783058.

ClinVar aggregate classification (germline): Likely benign (1 of 4 stars; one submission).

Allele frequency attached by ClinVar (database versions not stated): TOPMed 0.00006; gnomAD 0.00008; gnomAD exomes 0.00009; ExAC 0.00019; 1000 Genomes Project 30x 0.00031; 1000 Genomes Project 0.00040.

Submission:

CeGaT Center for Human Genetics Tuebingen
Classification: Likely benign. Last evaluated: 2023-07-01. Review status: criteria provided, single submitter. Criteria: CeGaT Center For Human Genetics Tuebingen Variant Classification Criteria Version 2. Collection method: clinical testing. Allele origin: germline. Affected: yes. Observed: 1 variant allele.
Comment: LMAN2L: BP4, BP7